The following is an entry in ClinVar:

NM_001005242.3(PKP2):c.925G>A (p.Ala309Thr)

Gene: PKP2 (plakophilin 2; minus strand). Cytogenetic location: 12p11.21.
Variant type: single nucleotide variant.
Coding change: c.925G>A on transcript NM_001005242.3 (MANE Select); coding-DNA position 925, G replaced by A.
Protein change: p.Ala309Thr; replaces alanine 309 with threonine.
Molecular consequence: missense variant.
Genome position (GRCh38, 1-based): chr12:32,877,955, C>T on the plus strand (G>A on the coding strand, the complement: PKP2 is on the minus strand). VCF-style: chr12-32877955-C-T. GRCh37 (hg19) VCF-style: chr12-33030889-C-T.
Other names: c.925G>A, p.Ala309Thr (NM_004572.4); short protein forms A309T.
Identifiers: ClinVar variation 648317 (VCV000648317.10), dbSNP rs761677945, ClinGen allele CA039414.

ClinVar aggregate classification (germline): Conflicting classifications of pathogenicity. Review status: criteria provided, conflicting classifications (1 of 4 stars). 4 submissions from 4 submitters: Uncertain significance (1); Likely benign (3). Last evaluated 2026-01-10.

Conditions:
Cardiovascular phenotype. Identifiers: MedGen CN230736.
Arrhythmogenic right ventricular cardiomyopathy (ARVD). Also called: Arrhythmogenic cardiomyopathy; Cardiomyopathy, ARVC; Arrhythmogenic right ventricular dysplasia; Arrhythmogenic Right Ventricular Cardiomyopathy (ARVC). Identifiers: Orphanet 247, MedGen C0349788, MeSH D019571, MONDO:0016587. Disease mechanism: loss of function. Inheritance: Various modes of inheritance.
Arrhythmogenic right ventricular dysplasia 9 (ARVD9). Also called: Arrhythmogenic Right Ventricular Dysplasia/Cardiomyopathy 9; ARRHYTHMOGENIC RIGHT VENTRICULAR DYSPLASIA, FAMILIAL, 9. Identifiers: MedGen C1836906, MONDO:0012180, OMIM 609040.
Cardiomyopathy (CMYO). Also called: Cardiomyopathies. Identifiers: Orphanet 167848, MedGen C0878544, MONDO:0004994, HP:0001638. Inheritance: Various modes of inheritance.

Allele frequency attached by ClinVar (database versions not stated): TOPMed below 0.00001; ExAC 0.00001; gnomAD 0.00001; gnomAD exomes 0.00002.
gnomAD v4.1: 15 of 1,614,044 alleles (0.00093%); highest among the groups gnomAD compares: Middle Eastern, 0.016%; no homozygotes.

Submissions (4):

Labcorp Genetics (formerly Invitae), Labcorp
Classification: Uncertain significance for Arrhythmogenic right ventricular dysplasia 9. Last evaluated: 2026-01-10. Review status: criteria provided, single submitter. Criteria: Invitae Variant Classification Sherloc (09022015). Collection method: clinical testing. Allele origin: germline.
Comment: This sequence change replaces alanine, which is neutral and non-polar, with threonine, which is neutral and polar, at codon 309 of the PKP2 protein (p.Ala309Thr). This variant is present in population databases (rs761677945, gnomAD 0.02%). This variant has not been reported in the literature in individuals affected with PKP2-related conditions. ClinVar contains an entry for this variant (Variation ID: 648317). An algorithm developed to predict the effect of missense changes on protein structure and function outputs the following: PolyPhen-2: "Benign". The threonine amino acid residue is found in multiple mammalian species, which suggests that this missense change does not adversely affect protein function. In summary, the available evidence is currently insufficient to determine the role of this variant in disease. Therefore, it has been classified as a Variant of Uncertain Significance.

Color Diagnostics, LLC DBA Color Health
Classification: Likely benign for Cardiomyopathy. Last evaluated: 2024-09-04. Review status: criteria provided, single submitter. Criteria: ACMG Guidelines, 2015. Collection method: clinical testing. Allele origin: germline.

Ambry Genetics
Classification: Likely benign for Cardiovascular phenotype. Last evaluated: 2024-06-18. Review status: criteria provided, single submitter. Criteria: Ambry Variant Classification Scheme 2023. Collection method: clinical testing. Allele origin: germline.

All of Us Research Program, National Institutes of Health
Classification: Likely benign for Arrhythmogenic right ventricular cardiomyopathy. Last evaluated: 2024-02-05. Review status: criteria provided, single submitter. Criteria: ACMG Guidelines, 2015. Collection method: clinical testing. Allele origin: germline. Inheritance: Autosomal dominant inheritance. Observed: 2 variant alleles, 2 heterozygotes.
Comment: This study involves interpretation of variants in research participants for the purpose of population health screening. Participant phenotype was not available at the time of variant classification. Additional details can be found in publication PMID: 35346344, PMCID: PMC8962531